The following is an entry in ClinVar:

ClinVar aggregate classification (germline): Pathogenic. Review status: criteria provided, multiple submitters, no conflicts (2 of 4 stars). 9 submissions from 9 submitters: Pathogenic (9). Last evaluated 2024-06-12.

Conditions:
COL7A1-related disorder. Also called: COL7A1-related condition; COL7A1- related disorders.
Epidermolysis bullosa pruriginosa. Also called: DEB, PRURIGINOSA; DYSTROPHIC EPIDERMOLYSIS BULLOSA PRURIGINOSA. Identifiers: Orphanet 89843, MedGen C1275114, MONDO:0011398, OMIM 604129.
Recessive dystrophic epidermolysis bullosa (RDEB). Also called: EPIDERMOLYSIS BULLOSA DYSTROPHICA, GENERALIZED SEVERE, AUTOSOMAL RECESSIVE; Hallopeau-Siemens Disease; severe generalized recessive dystrophic epidermolysis bullosa; Epidermolysis Bullosa Distrophica Autosomal Recessive (RDEB); Recessive DEB (RDEB); EPIDERMOLYSIS BULLOSA DYSTROPHICA, HALLOPEAU-SIEMENS TYPE. Identifiers: Orphanet 79408, Orphanet 79409, MedGen C0079474, MONDO:0009179, OMIM 226600.
Generalized dominant dystrophic epidermolysis bullosa (DDEB). Also called: Dominant DEB (DDEB); DDEB, generalized; DDEB-gen; DYSTROPHIC EPIDERMOLYSIS BULLOSA, AUTOSOMAL DOMINANT; Epidermolysis bullosa dystrophica, autosomal dominant. Identifiers: Orphanet 231568, MedGen C0432322, MONDO:0007549, OMIM 131750.
Pretibial dystrophic epidermolysis bullosa. Also called: Pretibial epidermolysis bullosa; Pretibial blistering; EPIDERMOLYSIS BULLOSA DYSTROPHICA, PRETIBIAL. Identifiers: Orphanet 79410, MedGen C0432321, MONDO:0007552, OMIM 131850, HP:0012221.
Dominant dystrophic epidermolysis bullosa with absence of skin. Also called: EPIDERMOLYSIS BULLOSA WITH CONGENITAL LOCALIZED ABSENCE OF SKIN AND DEFORMITY OF NAILS; EPIDERMOLYSIS BULLOSA DYSTROPHICA, BART TYPE. Identifiers: MedGen C0268371, MONDO:0007557, OMIM 132000.
Nonsyndromic congenital nail disorder 8. Also called: TOENAIL DYSTROPHY, ISOLATED. Identifiers: MedGen C1843761, MONDO:0011852, OMIM 607523.
Transient bullous dermolysis of the newborn (TBDN). Also called: EPIDERMOLYSIS BULLOSA DYSTROPHICA, NEONATAL FORM; DYSTROPHIC EPIDERMOLYSIS BULLOSA, NEONATAL. Identifiers: Orphanet 79411, MedGen C1851573, MONDO:0007548, OMIM 131705.
Epidermolysis bullosa dystrophica. Also called: Dystrophic epidermolysis bullosa; Dystrophic epidermolysis bullosa, Hallopeau-Siemens type (formerly). Identifiers: Orphanet 303, MedGen C0079294, MONDO:0006543.

Allele frequency attached by ClinVar (database versions not stated): TOPMed 0.00002.
gnomAD v4.1: 3 of 1,613,666 alleles (0.00019%); highest among the groups gnomAD compares: East Asian, 0.0022%; no homozygotes.

Submissions (9):

Natera, Inc.
Classification: Pathogenic for Dystrophic epidermolysis bullosa. Last evaluated: 2024-06-12. Review status: criteria provided, single submitter. Criteria: Natera Variant Classification Schema (03/2026). Collection method: clinical testing. Allele origin: germline.
Comment: The c.5797C>T variant in COL7A1 is a nonsense variant predicted to introduce a stop codon at amino acid 1933. This variant is expected to result in nonsense mediated decay, truncation, or a dysfunctional protein product. This variant is rare in the general population with a frequency below the threshold expected for the associated phenotype(s). This variant has been observed in one or more individuals affected with the associated recessive disease, as either homozygous or compound heterozygous with a second variant (PMID: 16484981). Given the available evidence, this variant is classified as Pathogenic.

Myriad Genetics, Inc.
Classification: Pathogenic for Recessive dystrophic epidermolysis bullosa. Last evaluated: 2024-05-07. Review status: criteria provided, single submitter. Criteria: Myriad Autosomal Dominant, Autosomal Recessive and X-Linked Classification Criteria (2023). Collection method: clinical testing. Allele origin: unknown.
Comment: NM_000094.3(COL7A1):c.5797C>T(R1933*) is expected to be pathogenic in the context of dystrophic epidermolysis bullosa. This variant is predicted to lead to an abnormal or absent protein product due to the creation of a premature termination codon in COL7A1, a gene where loss-of-function variants are known to be pathogenic. Please note: this variant was assessed in the context of healthy population screening.

Fulgent Genetics
Classification: Pathogenic for Transient bullous dermolysis of the newborn; Generalized dominant dystrophic epidermolysis bullosa; Pretibial dystrophic epidermolysis bullosa; Dominant dystrophic epidermolysis bullosa with absence of skin; Recessive dystrophic epidermolysis bullosa; Epidermolysis bullosa pruriginosa; Nonsyndromic congenital nail disorder 8. Last evaluated: 2024-04-03. Review status: criteria provided, single submitter. Criteria: ACMG Guidelines, 2015. Collection method: clinical testing. Allele origin: germline.

Labcorp Genetics (formerly Invitae), Labcorp
Classification: Pathogenic. Last evaluated: 2024-03-04. Review status: criteria provided, single submitter. Criteria: Invitae Variant Classification Sherloc (09022015). Collection method: clinical testing. Allele origin: germline.
Comment: This sequence change creates a premature translational stop signal (p.Arg1933*) in the COL7A1 gene. It is expected to result in an absent or disrupted protein product. Loss-of-function variants in COL7A1 are known to be pathogenic (PMID: 16971478). This variant is not present in population databases (gnomAD no frequency). This premature translational stop signal has been observed in individuals with autosomal recessive epidermolysis bullosa dystrophica (PMID: 10504458, 12653705, 15816848, 27544590, 29500833). ClinVar contains an entry for this variant (Variation ID: 345830). For these reasons, this variant has been classified as Pathogenic.

Victorian Clinical Genetics Services, Murdoch Childrens Research Institute
Classification: Pathogenic for Recessive dystrophic epidermolysis bullosa. Last evaluated: 2023-07-17. Review status: criteria provided, single submitter. Criteria: ACMG Guidelines, 2015. Collection method: clinical testing. Allele origin: germline. Inheritance: Autosomal recessive inheritance. Affected: yes.
Comment: Based on the classification scheme VCGS_Germline_v1.3.4, this variant is classified as Pathogenic. Following criteria are met: 0103 - Dominant negative and loss of function are known mechanisms of disease in this gene and are associated with dystrophic epidermolysis bullosa (DEB) (OMIM, PMID: 31670143). (I) 0108 - This gene is associated with both recessive and dominant disease. The spectrum of DEB associated with this gene can be either dominant or recessive. Dominant inheritance (DDEB; MIM#131750) is typically associated with milder phenotypes, whereas recessive inheritance (RDEB; MIM#226600) is usually observed in more severe cases (OMIM). (I) 0115 - Variants in this gene are known to have variable expressivity. Severity ranges from involving only nails to generalised and severe blistering and scarring (PMID: 31670143). (I) 0201 - Variant is predicted to cause nonsense-mediated decay (NMD) and loss of protein (premature termination codon is located at least 54 nucleotides upstream of the final exon-exon junction). (SP) 0251 - This variant is heterozygous. (I) 0304 - Variant is present in gnomAD (v3) <0.01 (1 heterozygote, 0 homozygotes). (SP) 0701 - Other NMD-predicted variants comparable to the one identified in this case have very strong previous evidence for pathogenicity (ClinVar). (SP) 0801 - This variant has strong previous evidence of pathogenicity in unrelated individuals. This variant has been reported in multiple unrelated individuals with recessived dystrophic epidermolysis bullosa (PMID: 16484981). It has also been reported multiple times as pathogenic in ClinVar. (SP) 1201 - Heterozygous variant detected in trans with a second pathogenic heterozygous variant (NM_000094.3(COL7A1):c.497dup; p.(Val168Glyfs*12)) in a recessive disease. (I) Legend: (SP) - Supporting pathogenic, (I) - Information, (SB) - Supporting benign

Women's Health and Genetics/Laboratory Corporation of America, LabCorp
Classification: Pathogenic for COL7A1-Related Disorders. Last evaluated: 2023-04-13. Review status: criteria provided, single submitter. Criteria: LabCorp Variant Classification Summary - May 2015. Collection method: clinical testing. Allele origin: germline.
Comment: Variant summary: COL7A1 c.5797C>T (p.Arg1933X) results in a premature termination codon, predicted to cause a truncation of the encoded protein or absence of the protein due to nonsense mediated decay, which are commonly known mechanisms for disease. Truncations downstream of this position have been classified as pathogenic in ClinVar and reported in association with Epidermolysis bullosa dystrophica in HGMD. The variant was absent in 250778 control chromosomes. The available data on variant occurrences in the general population are insufficient to allow any conclusion about variant significance. c.5797C>T has been reported in the literature in both compound heterozygous and homozygous individuals affected with Dystrophic Epidermolysis Bullosa, Recessive (e.g., Whittock_1999, Kern_2006). These data indicate that the variant is likely to be associated with disease. Four ClinVar submitters (evaluation after 2014) have cited the variant, and all laboratories classified the variant as pathogenic. Based on the evidence outlined above, the variant was classified as pathogenic.

Center for Research in Genodermatoses and Epidermolysis Bullosa, University of Buenos Aires
Classification: Pathogenic for Recessive dystrophic epidermolysis bullosa. Last evaluated: 2022-03-14. Review status: criteria provided, single submitter. Criteria: ACMG Guidelines, 2015. Collection method: clinical testing. Allele origin: paternal. Affected: yes. Observed: 1 variant allele, 1 compound heterozygote.

Illumina Laboratory Services, Illumina
Classification: Pathogenic for Dystrophic epidermolysis bullosa. Last evaluated: 2017-04-27. Review status: criteria provided, single submitter. Criteria: ICSL Variant Classification Criteria 09 May 2019. Collection method: clinical testing. Allele origin: germline.
Comment: The COL7A1 c.5797C>T (p.Arg1933Ter) variant is a stop-gained variant reported in a total of ten individuals with dystrophic epidermolysis bullosa, including one homozygote, seven compound heterozygotes, two affected heterozygotes in whom a second variant was not identified, and in one unaffected heterozygous parent of an affected individual (Whittock et al. 1999; Csikos et al. 2003; Wessagowit et al. 2005; Kern et al. 2006; Arnold et al. 2009; Escamez et al. 2010; Montaudie et al. 2016). The variant was absent from 100 control individuals and from 192 control chromosomes (Csikos et al. 2005; Oh et al. 2007; Escamez et al. 2010). It is reported at a frequency of 0.00002 in the European (non-Finnish) population of the Exome Aggregation Consortium, but this is based on only one allele in a region of good sequence coverage, so it is presumed to be rare. Expression studies in HEK293 cells showed a complete lack of expression of the p.Arg1933Ter variant (Cogan et al. 2014). Based on the evidence, the p.Arg1933Ter variant is classified as pathogenic for dystrophic epidermolysis bullosa. This variant was observed by ICSL as part of a predisposition screen in an ostensibly healthy population.

Juno Genomics, Hangzhou Juno Genomics, Inc
Classification: Pathogenic for Recessive dystrophic epidermolysis bullosa; Generalized dominant dystrophic epidermolysis bullosa; Dominant dystrophic epidermolysis bullosa with absence of skin; Nonsyndromic congenital nail disorder 8; Epidermolysis bullosa pruriginosa; Pretibial dystrophic epidermolysis bullosa; Transient bullous dermolysis of the newborn. Review status: criteria provided, single submitter. Criteria: ACMG Guidelines, 2015. Collection method: clinical testing. Allele origin: germline.
Comment: Absent from controls (or at extremely low frequency if recessive) in Genome Aggregation Database.;Null variant in a gene where loss of function (LOF) is a known mechanism of disease.;For recessive disorders, detected in trans with a pathogenic variant.

Literature cited by the submitters: PubMed 16484981 (cited by 4 submitters); PubMed 16971478 (cited by Labcorp Genetics (formerly Invitae), Labcorp); PubMed 10504458 (cited by 4 submitters); PubMed 12653705 (cited by Labcorp Genetics (formerly Invitae), Labcorp and Illumina Laboratory Services, Illumina); PubMed 15816848 (cited by Labcorp Genetics (formerly Invitae), Labcorp and Illumina Laboratory Services, Illumina); PubMed 27544590 (cited by Labcorp Genetics (formerly Invitae), Labcorp and Illumina Laboratory Services, Illumina); PubMed 29500833 (cited by Labcorp Genetics (formerly Invitae), Labcorp); PubMed 31670143 (cited by Victorian Clinical Genetics Services, Murdoch Childrens Research Institute); PubMed 35979658 (cited by Center for Research in Genodermatoses and Epidermolysis Bullosa, University of Buenos Aires); PubMed 25155989 (cited by Illumina Laboratory Services, Illumina); PubMed 19439919 (cited by Illumina Laboratory Services, Illumina); PubMed 17916216 (cited by Illumina Laboratory Services, Illumina); PubMed 15888141 (cited by Illumina Laboratory Services, Illumina).

NM_000094.4(COL7A1):c.5797C>T (p.Arg1933Ter)

Gene: COL7A1 (collagen type VII alpha 1 chain; minus strand). Cytogenetic location: 3p21.31.
Variant type: single nucleotide variant.
Coding change: c.5797C>T on transcript NM_000094.4 (MANE Select); coding-DNA position 5797, C replaced by T.
Protein change: p.Arg1933Ter; replaces arginine 1933 with a stop codon.
Molecular consequence: nonsense.
Genome position (GRCh38, 1-based): chr3:48,576,272, G>A on the plus strand (C>T on the coding strand, the complement: COL7A1 is on the minus strand). VCF-style: chr3-48576272-G-A. GRCh37 (hg19) VCF-style: chr3-48613705-G-A.
Other names: short protein forms R1933*.
Identifiers: ClinVar variation 345830 (VCV000345830.38), dbSNP rs757415879, ClinGen allele CA2379318.